The following is an entry in ClinVar:

ClinVar aggregate classification (germline): Uncertain significance (1 of 4 stars; one submission).

Conditions:
Tuberous sclerosis 1 (TSC1). Identifiers: Orphanet 805, MedGen C1854465, MONDO:0008612, OMIM 191100.

Allele frequency attached by ClinVar (database versions not stated): gnomAD 0.00001.
gnomAD v4.1: 1 of 1,613,952 alleles (0.000062%); highest among the groups gnomAD compares: African/African-American, 0.0013%; no homozygotes.

Submission:

Labcorp Genetics (formerly Invitae), Labcorp
Classification: Uncertain significance for Tuberous sclerosis 1. Last evaluated: 2018-02-26. Review status: criteria provided, single submitter. Criteria: Invitae Variant Classification Sherloc (09022015). Collection method: clinical testing. Allele origin: germline.
Comment: In summary, the available evidence is currently insufficient to determine the role of this variant in disease. Therefore, it has been classified as a Variant of Uncertain Significance. Algorithms developed to predict the effect of missense changes on protein structure and function do not agree on the potential impact of this missense change (SIFT: "Deleterious"; PolyPhen-2: "Benign"; Align-GVGD: "Class C0"). This variant has not been reported in the literature in individuals with TSC1-related disease. This variant is not present in population databases (ExAC no frequency). This sequence change replaces serine with leucine at codon 840 of the TSC1 protein (p.Ser840Leu). The serine residue is moderately conserved and there is a large physicochemical difference between serine and leucine.

NM_000368.5(TSC1):c.2519C>T (p.Ser840Leu)

Gene: TSC1 (TSC complex subunit 1; minus strand). Cytogenetic location: 9q34.13.
Variant type: single nucleotide variant.
Coding change: c.2519C>T on transcript NM_000368.5 (MANE Select); coding-DNA position 2519, C replaced by T.
Protein change: p.Ser840Leu; replaces serine 840 with leucine.
Molecular consequence: missense variant.
Genome position (GRCh38, 1-based): chr9:132,900,821, G>A on the plus strand (C>T on the coding strand, the complement: TSC1 is on the minus strand). VCF-style: chr9-132900821-G-A. GRCh37 (hg19) VCF-style: chr9-135776208-G-A.
Other names: c.2516C>T, p.Ser839Leu (NM_001162426.2); c.2366C>T, p.Ser789Leu (NM_001162427.2); c.2156C>T, p.Ser719Leu (NM_001362177.2); short protein forms S840L, S719L, S839L, S789L.
Identifiers: ClinVar variation 570832 (VCV000570832.8), dbSNP rs1564475110, ClinGen allele CA375370295.
Genomic context (GRCh38, chr9:132,900,821, plus strand): 5'-TCGTTGACCTCCCCAAGAACCAACAGCTGCCTGTTCAAGAACTCCATCTGCTGCTGGACC[G>A]ACTCACTGTTTGAGAGCTAACCAAAAAACATGAGCAAAGTGAAAAATCCGACGACATAAA-3'
Protein context (NP_000359.1, residues 830-850): QVSQKLSNSE[Ser840Leu]VQQQMEFLNR